The following is an entry in ClinVar:

ClinVar aggregate classification (germline): Uncertain significance. Review status: criteria provided, multiple submitters, no conflicts (2 of 4 stars). 2 submissions from 2 submitters: Uncertain significance (2). Last evaluated 2025-01-05.

Conditions:
Inborn genetic diseases. Identifiers: MedGen C0950123, MeSH D030342.

Allele frequency attached by ClinVar (database versions not stated): gnomAD 0.00001; TOPMed 0.00002.
gnomAD v4.1: 8 of 1,582,938 alleles (0.00051%); highest among the groups gnomAD compares: African/African-American, 0.0094%; no homozygotes.

Submissions (2):

Labcorp Genetics (formerly Invitae), Labcorp
Classification: Uncertain significance. Last evaluated: 2025-01-05. Review status: criteria provided, single submitter. Criteria: Invitae Variant Classification Sherloc (09022015). Collection method: clinical testing. Allele origin: germline.
Comment: This sequence change falls in intron 9 of the KMT2E gene. It does not directly change the encoded amino acid sequence of the KMT2E protein. It affects a nucleotide within the consensus splice site. This variant is present in population databases (no rsID available, gnomAD 0.007%). This variant has not been reported in the literature in individuals affected with KMT2E-related conditions. ClinVar contains an entry for this variant (Variation ID: 3116070). Variants that disrupt the consensus splice site are a relatively common cause of aberrant splicing (PMID: 17576681, 9536098). Algorithms developed to predict the effect of sequence changes on RNA splicing suggest that this variant is not likely to affect RNA splicing. In summary, the available evidence is currently insufficient to determine the role of this variant in disease. Therefore, it has been classified as a Variant of Uncertain Significance.

Ambry Genetics
Classification: Uncertain significance for Inborn genetic diseases. Last evaluated: 2023-11-01. Review status: criteria provided, single submitter. Criteria: Ambry Variant Classification Scheme 2023. Collection method: clinical testing. Allele origin: germline.
Comment: The c.768+5A>G intronic alteration consists of a A to G substitution nucleotides after coding exon 7 in the KMT2E gene. Based on insufficient or conflicting evidence, the clinical significance of this alteration remains unclear.

Literature cited by the submitters: PubMed 17576681 (cited by Labcorp Genetics (formerly Invitae), Labcorp); PubMed 9536098 (cited by Labcorp Genetics (formerly Invitae), Labcorp).

NM_182931.3(KMT2E):c.768+5A>G

Gene: KMT2E (lysine methyltransferase 2E (inactive); plus strand). Cytogenetic location: 7q22.3.
Variant type: single nucleotide variant.
Coding change: c.768+5A>G on transcript NM_182931.3 (MANE Select); 5 bases into the intron after coding-DNA position 768, A replaced by G.
Molecular consequence: intron variant.
Genome position (GRCh38, 1-based): chr7:105,076,086, A>G. VCF-style: chr7-105076086-A-G. GRCh37 (hg19) VCF-style: chr7-104716533-A-G.
Other names: c.768+5A>G (NM_001410908.1, NM_018682.4).
Identifiers: ClinVar variation 3116070 (VCV003116070.3), dbSNP rs1014785502, ClinGen allele CA163988691.